The following is an entry in ClinVar:

ClinVar aggregate classification (germline): Uncertain significance (1 of 4 stars; one submission).

Conditions:
Malignant hyperthermia, susceptibility to, 1 (MHS1). Also called: RYR1-Related Malignant Hyperthermia Susceptibility; Malignant hyperthermia suceptibility 1; Anesthesia related hyperthermia; Malignant hyperpyrexia; Fulminating hyperpyrexia; Pharmacogenic myopathy. Identifiers: Orphanet 423, MedGen C2930980, MONDO:0007783, OMIM 145600.

gnomAD v4.1: 3 of 1,613,968 alleles (0.00019%); highest among the groups gnomAD compares: East Asian, 0.0022%; no homozygotes.

Submission:

Color Diagnostics, LLC DBA Color Health
Classification: Uncertain significance for Malignant hyperthermia, susceptibility to, 1. Last evaluated: 2025-08-24. Review status: criteria provided, single submitter. Criteria: ACMG Guidelines, 2015. Collection method: clinical testing. Allele origin: germline.
Comment: This missense variant replaces glycine with arginine at codon 507 of the RYR1 protein. Computational prediction suggests that this variant may have deleterious impact on protein structure and function. To our knowledge, functional studies have not been reported for this variant. This variant has not been reported in individuals affected with RYR1-related disorders in the literature. This variant has been identified in 3/251494 chromosomes in the general population by the Genome Aggregation Database (gnomAD). The available evidence is insufficient to determine the role of this variant in disease conclusively. Therefore, this variant is classified as a Variant of Uncertain Significance.

NM_000540.3(RYR1):c.1519G>A (p.Gly507Arg)

Genes: RYR1 (ryanodine receptor 1; plus strand), LOC129391106 (MPRA-validated peak3472 silencer; plus strand). Cytogenetic location: 19q13.2.
Variant type: single nucleotide variant.
Coding change: c.1519G>A on transcript NM_000540.3 (MANE Select); coding-DNA position 1519, G replaced by A.
Protein change: p.Gly507Arg; replaces glycine 507 with arginine.
Molecular consequence: missense variant.
Genome position (GRCh38, 1-based): chr19:38,455,313, G>A. VCF-style: chr19-38455313-G-A. GRCh37 (hg19) VCF-style: chr19-38945953-G-A.
Other names: c.1519G>A, p.Gly507Arg (NM_001042723.2); short protein forms G507R.
Identifiers: ClinVar variation 4758482 (VCV004758482.1).